The following is an entry in ClinVar:

ClinVar aggregate classification (germline): Uncertain significance (1 of 4 stars; one submission).

Conditions:
Hereditary diffuse gastric adenocarcinoma (HDGC). Also called: DIFFUSE GASTRIC AND LOBULAR BREAST CANCER SYNDROME. Identifiers: Orphanet 26106, MedGen C1708349, MONDO:0007648, OMIM 137215.

Submission:

Labcorp Genetics (formerly Invitae), Labcorp
Classification: Uncertain significance for Hereditary diffuse gastric adenocarcinoma. Last evaluated: 2021-08-02. Review status: criteria provided, single submitter. Criteria: Invitae Variant Classification Sherloc (09022015). Collection method: clinical testing. Allele origin: germline.
Comment: This variant is not present in population databases (ExAC no frequency). This sequence change replaces proline with arginine at codon 309 of the CDH1 protein (p.Pro309Arg). The proline residue is highly conserved and there is a moderate physicochemical difference between proline and arginine. This variant has not been reported in the literature in individuals affected with CDH1-related conditions. In summary, the available evidence is currently insufficient to determine the role of this variant in disease. Therefore, it has been classified as a Variant of Uncertain Significance. Algorithms developed to predict the effect of sequence changes on RNA splicing suggest that this variant may create or strengthen a splice site. Algorithms developed to predict the effect of missense changes on protein structure and function (SIFT, PolyPhen-2, Align-GVGD) all suggest that this variant is likely to be disruptive.

NM_004360.5(CDH1):c.926C>G (p.Pro309Arg)

Gene: CDH1 (cadherin 1; plus strand). Cytogenetic location: 16q22.1.
Variant type: single nucleotide variant.
Coding change: c.926C>G on transcript NM_004360.5 (MANE Select); coding-DNA position 926, C replaced by G.
Protein change: p.Pro309Arg; replaces proline 309 with arginine.
Molecular consequence: missense variant. On other transcripts: 5 prime UTR variant (2).
Genome position (GRCh38, 1-based): chr16:68,811,777, C>G. VCF-style: chr16-68811777-C-G. GRCh37 (hg19) VCF-style: chr16-68845680-C-G.
Other names: c.926C>G, p.Pro309Arg (NM_001317184.2); c.-690C>G (NM_001317185.2); c.-894C>G (NM_001317186.2); short protein forms P309R.
Identifiers: ClinVar variation 1479718 (VCV001479718.6), dbSNP rs529089668, ClinGen allele CA396459734.